The following is an entry in ClinVar:

ClinVar aggregate classification (germline): Uncertain significance (1 of 4 stars; one submission).

Submission:

GeneDx
Classification: Uncertain significance. Last evaluated: 2024-10-17. Review status: criteria provided, single submitter. Criteria: GeneDx Variant Classification Process June 2021. Collection method: clinical testing. Allele origin: germline. Affected: yes.
Comment: Not observed at significant frequency in large population cohorts (gnomAD); In silico analysis indicates that this missense variant does not alter protein structure/function; Has not been previously published as pathogenic or benign to our knowledge

NM_133259.4(LRPPRC):c.1967C>T (p.Thr656Ile)

Gene: LRPPRC (leucine rich pentatricopeptide repeat containing; minus strand). Cytogenetic location: 2p21.
Variant type: single nucleotide variant.
Coding change: c.1967C>T on transcript NM_133259.4 (MANE Select); coding-DNA position 1967, C replaced by T.
Protein change: p.Thr656Ile; replaces threonine 656 with isoleucine.
Molecular consequence: missense variant.
Genome position (GRCh38, 1-based): chr2:43,947,369, G>A on the plus strand (C>T on the coding strand, the complement: LRPPRC is on the minus strand). VCF-style: chr2-43947369-G-A. GRCh37 (hg19) VCF-style: chr2-44174508-G-A.
Other names: short protein forms T656I.
Identifiers: ClinVar variation 3781183 (VCV003781183.1).